The following is an entry in ClinVar:

NM_000095.3(COMP):c.1255-26G>A

Gene: COMP (cartilage oligomeric matrix protein; minus strand). Cytogenetic location: 19p13.11.
Variant type: single nucleotide variant.
Coding change: c.1255-26G>A on transcript NM_000095.3 (MANE Select); 26 bases into the intron before coding-DNA position 1255, G replaced by A.
Molecular consequence: intron variant.
Genome position (GRCh38, 1-based): chr19:18,786,317, C>T on the plus strand (G>A on the coding strand, the complement: COMP is on the minus strand). VCF-style: chr19-18786317-C-T. GRCh37 (hg19) VCF-style: chr19-18897127-C-T.
Identifiers: ClinVar variation 449006 (VCV000449006.2), dbSNP rs1555791472, ClinGen allele CA658658798.

ClinVar aggregate classification (germline): Uncertain significance (1 of 4 stars; one submission).

Submission:

GeneDx
Classification: Uncertain significance. Last evaluated: 2015-04-06. Review status: criteria provided, single submitter. Criteria: GeneDx Variant Classification (06012015). Collection method: clinical testing. Allele origin: germline. Affected: yes.
Comment: The intronic c.1255-26 G>A nucleotide change has not been published as a pathogenic variant, nor has it been reported as a benign polymorphism to our knowledge. It was not observed in approximately 6,500 individuals of European and African American ancestry in the NHLBI Exome Sequencing Project, indicating it is not a common benign variant in these populations. In silico splice site algorithms predict that this nucleotide change will generate a novel acceptor site in intron 11 of the COMP gene, which could compete with the true intron 11/exon 12 acceptor site. However, the exact consequences of this sequence variant on a cellular level are unknown. As the vast majority of pathogenic COMP variants are missense changes in the coding sequence, the finding of a potentially disease-causing intronic splice variant is unusual and warrants a cautious interpretation of its clinical significance.